The following is an entry in ClinVar:

ClinVar aggregate classification (germline): Likely benign. Review status: criteria provided, multiple submitters, no conflicts (2 of 4 stars). 4 submissions from 4 submitters: Likely benign (3). 1 of the submissions does not count toward it. Last evaluated 2026-01-25.

Conditions:
Retinitis pigmentosa (RP). Identifiers: Orphanet 791, MedGen C0035334, MeSH D012174, MONDO:0019200, OMIM 268000. Inheritance: Autosomal dominant, autosomal recessive and X linked inheritance.
EYS-related disorder. Also called: EYS-related condition.

Allele frequency attached by ClinVar (database versions not stated): gnomAD exomes 0.00002 and 0.00010; gnomAD 0.00006 and 0.00009; TOPMed 0.00015; ExAC 0.00030.
gnomAD v4.1: 72 of 1,551,198 alleles (0.0046%); highest among the groups gnomAD compares: East Asian, 0.037%; 3 homozygotes.

Submissions (4):

Labcorp Genetics (formerly Invitae), Labcorp
Classification: Likely benign. Last evaluated: 2026-01-25. Review status: criteria provided, single submitter. Criteria: Invitae Variant Classification Sherloc (09022015). Collection method: clinical testing. Allele origin: germline.

PreventionGenetics, part of Exact Sciences
Classification: Likely benign for EYS-related condition. Last evaluated: 2025-08-05. Review status: criteria provided, single submitter. Criteria: ACMG Guidelines, 2015. Collection method: clinical testing. Allele origin: germline.
Comment: This variant is classified as likely benign based on ACMG/AMP sequence variant interpretation guidelines (Richards et al. 2015 PMID: 25741868, with internal and published modifications).

Blueprint Genetics
Classification: Likely benign. Last evaluated: 2024-10-28. Review status: criteria provided, single submitter. Criteria: ACMG Guidelines, 2015. Collection method: clinical testing. Allele origin: germline.

Natera, Inc.
Classification: Likely benign for Retinitis pigmentosa. Last evaluated: 2019-12-24. Review status: no assertion criteria provided. Collection method: clinical testing. Allele origin: germline. Not counted in ClinVar's aggregate classification.

NM_001142800.2(EYS):c.8181C>T (p.Leu2727=)

Gene: EYS (EGF-like photoreceptor maintenance factor; minus strand). Cytogenetic location: 6q12.
Variant type: single nucleotide variant.
Coding change: c.8181C>T on transcript NM_001142800.2 (MANE Select); coding-DNA position 8181, C replaced by T.
Protein change: p.Leu2727=; no amino-acid change (leucine 2727 retained).
Molecular consequence: synonymous variant.
Genome position (GRCh38, 1-based): chr6:63,726,571, G>A on the plus strand (C>T on the coding strand, the complement: EYS is on the minus strand). VCF-style: chr6-63726571-G-A. GRCh37 (hg19) VCF-style: chr6-64436464-G-A.
Other names: c.8244C>T, p.Leu2748= (NM_001292009.2).
Identifiers: ClinVar variation 736321 (VCV000736321.13), dbSNP rs369121423, ClinGen allele CA3876725.
Genomic context (GRCh38, chr6:63,726,571, plus strand): 5'-AATCTTACCTGATTGGGCTTTTAAGTGTTGTGCAGCATAAAATAGGATACCATCTGCAGC[G>A]AGAGGCTGAAACTGCAATTGAATATGTGTCTTTTTTCGAACATGAAAGGAAGCAAAAGAC-3'
Protein context (NP_001136272.1, residues 2717-2737): KTHIQLQFQP[Leu2727=]AADGILFYAA